The following is an entry in ClinVar:

NM_000245.4(MET):c.2506G>A (p.Val836Ile)

Gene: MET (MET proto-oncogene, receptor tyrosine kinase; plus strand). Cytogenetic location: 7q31.2.
Variant type: single nucleotide variant.
Coding change: c.2506G>A on transcript NM_000245.4 (MANE Select); coding-DNA position 2506, G replaced by A.
Protein change: p.Val836Ile; replaces valine 836 with isoleucine.
Molecular consequence: missense variant.
Genome position (GRCh38, 1-based): chr7:116,763,191, G>A. VCF-style: chr7-116763191-G-A. GRCh37 (hg19) VCF-style: chr7-116403245-G-A.
Other names: c.2560G>A, p.Val854Ile (NM_001127500.3); c.2506G>A, p.Val836Ile (NM_001324401.3); c.1216G>A, p.Val406Ile (NM_001324402.2); c.2560G>A (NM_001127500.1); short protein forms V854I, V836I, V406I.
Identifiers: ClinVar variation 1358992 (VCV001358992.6), dbSNP rs372699296, ClinGen allele CA4448496.

ClinVar aggregate classification (germline): Uncertain significance. Review status: criteria provided, multiple submitters, no conflicts (2 of 4 stars). 2 submissions from 2 submitters: Uncertain significance (2). Last evaluated 2025-11-21.

Conditions:
Hereditary cancer-predisposing syndrome. Also called: Tumor predisposition; Hereditary neoplastic syndrome; Neoplastic Syndromes, Hereditary; Hereditary Cancer Syndrome. Identifiers: Orphanet 140162, MedGen C0027672, MeSH D009386, MONDO:0015356.
Renal cell carcinoma. Identifiers: Orphanet 217071, MedGen C0007134, MeSH D002292, MONDO:0005086, HP:0005584.

Allele frequency attached by ClinVar (database versions not stated): gnomAD exomes below 0.00001; ExAC 0.00001; ESP Exome Variant Server 0.00008.
gnomAD v4.1: 3 of 1,613,962 alleles (0.00019%); highest among the groups gnomAD compares: East Asian, 0.0045%; no homozygotes.

Submissions (2):

Ambry Genetics
Classification: Uncertain significance for Hereditary cancer-predisposing syndrome. Last evaluated: 2025-11-21. Review status: criteria provided, single submitter. Criteria: Ambry Variant Classification Scheme 2023. Collection method: clinical testing. Allele origin: germline.
Comment: The p.V854I variant (also known as c.2560G>A), located in coding exon 10 of the MET gene, results from a G to A substitution at nucleotide position 2560. The valine at codon 854 is replaced by isoleucine, an amino acid with highly similar properties. This amino acid position is highly conserved in available vertebrate species. In addition, the in silico prediction for this alteration is inconclusive. Based on the available evidence, the clinical significance of this variant remains unclear.

Labcorp Genetics (formerly Invitae), Labcorp
Classification: Uncertain significance for Renal cell carcinoma. Last evaluated: 2022-06-28. Review status: criteria provided, single submitter. Criteria: Invitae Variant Classification Sherloc (09022015). Collection method: clinical testing. Allele origin: germline.
Comment: In summary, the available evidence is currently insufficient to determine the role of this variant in disease. Therefore, it has been classified as a Variant of Uncertain Significance. Algorithms developed to predict the effect of missense changes on protein structure and function are either unavailable or do not agree on the potential impact of this missense change (SIFT: "Deleterious"; PolyPhen-2: "Probably Damaging"; Align-GVGD: "Class C0"). This variant has not been reported in the literature in individuals affected with MET-related conditions. This variant is present in population databases (rs372699296, gnomAD 0.0009%). This sequence change replaces valine, which is neutral and non-polar, with isoleucine, which is neutral and non-polar, at codon 854 of the MET protein (p.Val854Ile).